The following is an entry in ClinVar:

ClinVar aggregate classification (germline): Uncertain significance (1 of 4 stars; one submission).

Conditions:
DICER1-related tumor predisposition. Also called: DICER1-related pleuropulmonary blastoma cancer predisposition syndrome; DICER1 syndrome. Identifiers: Orphanet 284343, MedGen C3839822, MONDO:0100216.

Submission:

Labcorp Genetics (formerly Invitae), Labcorp
Classification: Uncertain significance for DICER1-related tumor predisposition. Last evaluated: 2025-12-13. Review status: criteria provided, single submitter. Criteria: Invitae Variant Classification Sherloc (09022015). Collection method: clinical testing. Allele origin: germline.
Comment: This sequence change replaces isoleucine, which is neutral and non-polar, with methionine, which is neutral and non-polar, at codon 853 of the DICER1 protein (p.Ile853Met). This variant is not present in population databases (gnomAD no frequency). This variant has not been reported in the literature in individuals affected with DICER1-related conditions. Invitae Evidence Modeling of protein sequence and biophysical properties (such as structural, functional, and spatial information, amino acid conservation, physicochemical variation, residue mobility, and thermodynamic stability) indicates that this missense variant is not expected to disrupt DICER1 protein function with a negative predictive value of 95%. In summary, the available evidence is currently insufficient to determine the role of this variant in disease. Therefore, it has been classified as a Variant of Uncertain Significance.

NM_177438.3(DICER1):c.2559A>G (p.Ile853Met)

Gene: DICER1 (dicer 1, ribonuclease III; minus strand). Cytogenetic location: 14q32.13.
Variant type: single nucleotide variant.
Coding change: c.2559A>G on transcript NM_177438.3 (MANE Select); coding-DNA position 2559, A replaced by G.
Protein change: p.Ile853Met; replaces isoleucine 853 with methionine.
Molecular consequence: missense variant. On other transcripts: non-coding transcript variant (6).
Genome position (GRCh38, 1-based): chr14:95,107,971, T>C on the plus strand (A>G on the coding strand, the complement: DICER1 is on the minus strand). VCF-style: chr14-95107971-T-C. GRCh37 (hg19) VCF-style: chr14-95574308-T-C.
Other names: c.2559A>G, p.Ile853Met (NM_001195573.1, NM_001271282.3, NM_001291628.2 and 12 more transcripts); c.2277A>G, p.Ile759Met (NM_001395686.1); c.2154A>G, p.Ile718Met (NM_001395687.1, NM_001395688.1, NM_001395689.1 and 2 more transcripts); c.1992A>G, p.Ile664Met (NM_001395691.1); c.876A>G, p.Ile292Met (NM_001395697.1); short protein forms I718M, I759M, I292M, I664M, I853M.
Identifiers: ClinVar variation 4769511 (VCV004769511.1).